The following is an entry in ClinVar:

NM_001252024.2(TRPM1):c.3017G>A (p.Arg1006His)

Genes: TRPM1 (transient receptor potential cation channel subfamily M member 1; minus strand), TRPM1-AS1 (TRPM1 antisense RNA 1; plus strand). Cytogenetic location: 15q13.3.
Variant type: single nucleotide variant.
Coding change: c.3017G>A on transcript NM_001252024.2 (MANE Select); coding-DNA position 3017, G replaced by A.
Protein change: p.Arg1006His; replaces arginine 1006 with histidine.
Molecular consequence: missense variant.
Genome position (GRCh38, 1-based): chr15:31,031,093, C>T on the plus strand (G>A on the coding strand, the complement: TRPM1 is on the minus strand). VCF-style: chr15-31031093-C-T. GRCh37 (hg19) VCF-style: chr15-31323296-C-T.
Other names: c.3068G>A, p.Arg1023His (NM_001252020.2); c.2951G>A, p.Arg984His (NM_002420.6); short protein forms R1006H, R1023H, R984H.
Identifiers: ClinVar variation 812113 (VCV000812113.7), dbSNP rs775810789, ClinGen allele CA7452004.
Genomic context (GRCh38, chr15:31,031,093, plus strand): 5'-TAGAAGATGTTTCGGGCCAGTTTCCAAGAGGGCTTCTCCTCTGGATGCAGAATGGCTTGA[C>T]GGGCTACTCCGAAACTCATGAGCACGACCAGCATGATGACCACAAAGTACAGCATGTCGA-3'
Protein context (NP_001238953.1, residues 996-1016): LVVLMSFGVA[Arg1006His]QAILHPEEKP

ClinVar aggregate classification (germline): Conflicting classifications of pathogenicity. Review status: criteria provided, conflicting classifications (1 of 4 stars). 3 submissions from 3 submitters: Pathogenic (1); Likely pathogenic (1); Uncertain significance (1). Last evaluated 2024-02-07.

Conditions:
Congenital stationary night blindness 1C. Also called: Night blindness, congenital stationary (complete), 1C, autosomal recessive. Identifiers: Orphanet 215, MedGen C2750747, MONDO:0013183, OMIM 613216.
TRPM1-related disorder. Also called: TRPM1-related condition.

Allele frequency attached by ClinVar (database versions not stated): gnomAD exomes 0.00002; ExAC 0.00003; gnomAD 0.00003; TOPMed 0.00003.
gnomAD v4.1: 34 of 1,614,024 alleles (0.0021%); highest among the groups gnomAD compares: Non-Finnish European, 0.0026%; no homozygotes.

Submissions (3):

Blueprint Genetics
Classification: Likely pathogenic for TRPM1-related disorders. Last evaluated: 2024-02-07. Review status: criteria provided, single submitter. Criteria: ACMG Guidelines, 2015. Collection method: clinical testing. Allele origin: germline. Affected: yes. Observed: 1 variant allele.

Labcorp Genetics (formerly Invitae), Labcorp
Classification: Uncertain significance. Last evaluated: 2023-10-13. Review status: criteria provided, single submitter. Criteria: Invitae Variant Classification Sherloc (09022015). Collection method: clinical testing. Allele origin: germline.
Comment: This sequence change replaces arginine, which is basic and polar, with histidine, which is basic and polar, at codon 984 of the TRPM1 protein (p.Arg984His). This variant is present in population databases (rs775810789, gnomAD 0.004%). This missense change has been observed in individual(s) with clinical features of TRPM1-related conditions (PMID: 25307992, 35633130). This variant is also known as c.3017G>A (p.Arg1006His). ClinVar contains an entry for this variant (Variation ID: 812113). Advanced modeling of protein sequence and biophysical properties (such as structural, functional, and spatial information, amino acid conservation, physicochemical variation, residue mobility, and thermodynamic stability) has been performed at Invitae for this missense variant, however the output from this modeling did not meet the statistical confidence thresholds required to predict the impact of this variant on TRPM1 protein function. In summary, the available evidence is currently insufficient to determine the role of this variant in disease. Therefore, it has been classified as a Variant of Uncertain Significance.

Centre for Genomic Medicine, Manchester, Central Manchester University Hospitals
Classification: Pathogenic for Congenital stationary night blindness 1C. Last evaluated: 2019-02-01. Review status: criteria provided, single submitter. Criteria: ACMG Guidelines, 2015. Collection method: clinical testing. Allele origin: germline. Affected: yes. Observed: 1 variant allele, 1 compound heterozygote.

Literature cited by the submitters: PubMed 25307992 (cited by Labcorp Genetics (formerly Invitae), Labcorp); PubMed 35633130 (cited by Labcorp Genetics (formerly Invitae), Labcorp).